The following is an entry in ClinVar:

NM_001267550.2(TTN):c.3242C>T (p.Ala1081Val)

Gene: TTN (titin; minus strand). Cytogenetic location: 2q31.2.
Variant type: single nucleotide variant.
Coding change: c.3242C>T on transcript NM_001267550.2 (MANE Select); coding-DNA position 3242, C replaced by T.
Protein change: p.Ala1081Val; replaces alanine 1081 with valine.
Molecular consequence: missense variant.
Genome position (GRCh38, 1-based): chr2:178,782,350, G>A on the plus strand (C>T on the coding strand, the complement: TTN is on the minus strand). VCF-style: chr2-178782350-G-A. GRCh37 (hg19) VCF-style: chr2-179647077-G-A.
Other names: c.3242C>T, p.Ala1081Val (NM_133378.4, NM_001256850.1, NM_133379.5); c.3104C>T, p.Ala1035Val (NM_003319.4, NM_133432.3, NM_133437.4); short protein forms A1081V, A1035V.
Identifiers: ClinVar variation 332961 (VCV000332961.17), dbSNP rs528216574, ClinGen allele CA2005593.

ClinVar aggregate classification (germline): Conflicting classifications of pathogenicity. Review status: criteria provided, conflicting classifications (1 of 4 stars). 8 submissions from 4 submitters: Uncertain significance (6); Likely benign (2). Last evaluated 2026-02-09.

Conditions:
Tibial muscular dystrophy (TMD). Also called: Udd Distal Myopathy – Tibial Muscular Dystrophy; UDD MYOPATHY; Tibial muscular dystrophy, tardive. Identifiers: Orphanet 609, MedGen C1838244, MONDO:0010870, OMIM 600334.
Myopathy, myofibrillar, 9, with early respiratory failure (MFM9). Also called: Myopathy, distal, with early respiratory failure, autosomal dominant; EDSTROM MYOPATHY; Hereditary myopathy with early respiratory failure; MYOPATHY, PROXIMAL, WITH EARLY RESPIRATORY MUSCLE INVOLVEMENT. Identifiers: Orphanet 178464, Orphanet 34521, MedGen C1863599, MONDO:0011362, OMIM 603689.
Dilated cardiomyopathy 1G (CMD1G). Identifiers: Orphanet 154, MedGen C1858763, MONDO:0011400, OMIM 604145.
TTN-related disorder. Also called: TTN-related condition; TTN-related disease; TTN-related disorders.
Early-onset myopathy with fatal cardiomyopathy (CMYO5). Also called: CONGENITAL MYOPATHY 5 WITH CARDIOMYOPATHY; Salih Myopathy. Identifiers: Orphanet 289377, MedGen C2673677, MONDO:0012714, OMIM 611705. Disease mechanism: loss of function.
Autosomal recessive limb-girdle muscular dystrophy type 2J (LGMDR10). Also called: MUSCULAR DYSTROPHY, LIMB-GIRDLE, AUTOSOMAL RECESSIVE 10; Limb-girdle muscular dystrophy, type 2J. Identifiers: Orphanet 140922, MedGen C1837342, MONDO:0012127, OMIM 608807.

Allele frequency attached by ClinVar (database versions not stated): gnomAD 0.00001; TOPMed 0.00002; ExAC 0.00003; 1000 Genomes Project 0.00020; 1000 Genomes Project 30x 0.00031.
gnomAD v4.1: 17 of 1,614,036 alleles (0.0011%); highest among the groups gnomAD compares: East Asian, 0.025%; no homozygotes.

Submissions (8):

PreventionGenetics, part of Exact Sciences
Classification: Uncertain significance for TTN-related condition. Last evaluated: 2026-02-09. Review status: criteria provided, single submitter. Criteria: ACMG Guidelines, 2015. Collection method: clinical testing. Allele origin: germline.
Comment: The TTN c.3242C>T variant is predicted to result in the amino acid substitution p.Ala1081Val. To our knowledge, this variant has not been reported in the literature. This variant is reported in 0.060% of alleles in individuals of East Asian descent in gnomAD. Although we suspect that this variant may be benign, at this time, the clinical significance of this variant is uncertain due to the absence of conclusive functional and genetic evidence.

CeGaT Center for Human Genetics Tuebingen
Classification: Uncertain significance. Last evaluated: 2025-08-01. Review status: criteria provided, single submitter. Criteria: CeGaT Center For Human Genetics Tuebingen Variant Classification Criteria Version 2. Collection method: clinical testing. Allele origin: germline. Affected: yes. Observed: 1 variant allele.
Comment: TTN: PM2, BP4

Revvity Omics, Revvity
Classification: Uncertain significance. Last evaluated: 2019-04-10. Review status: criteria provided, single submitter. Criteria: ACMG Guidelines, 2015. Collection method: clinical testing. Allele origin: germline.

Illumina Laboratory Services, Illumina
Classification: Uncertain significance for Autosomal recessive limb-girdle muscular dystrophy type 2J. Last evaluated: 2018-01-12. Review status: criteria provided, single submitter. Criteria: ICSL Variant Classification Criteria 13 December 2019. Collection method: clinical testing. Allele origin: germline.

Illumina Laboratory Services, Illumina
Classification: Uncertain significance for Early-onset myopathy with fatal cardiomyopathy. Last evaluated: 2018-01-12. Review status: criteria provided, single submitter. Criteria: ICSL Variant Classification Criteria 13 December 2019. Collection method: clinical testing. Allele origin: germline.

Illumina Laboratory Services, Illumina
Classification: Likely benign for Tibial muscular dystrophy. Last evaluated: 2018-01-12. Review status: criteria provided, single submitter. Criteria: ICSL Variant Classification Criteria 13 December 2019. Collection method: clinical testing. Allele origin: germline.
Comment: This variant was observed in the ICSL laboratory as part of a predisposition screen in an ostensibly healthy population. It had not been previously curated by ICSL or reported in the Human Gene Mutation Database (HGMD: prior to June 1st, 2018), and was therefore a candidate for classification through an automated scoring system. Utilizing variant allele frequency, disease prevalence and penetrance estimates, and inheritance mode, an automated score was calculated to assess if this variant is too frequent to cause the disease. Based on the score and internal cut-off values, a variant classified as likely benign is not then subjected to further curation. The score for this variant resulted in a classification of likely benign for this disease.

Illumina Laboratory Services, Illumina
Classification: Likely benign for Myopathy, myofibrillar, 9, with early respiratory failure. Last evaluated: 2018-01-12. Review status: criteria provided, single submitter. Criteria: ICSL Variant Classification Criteria 13 December 2019. Collection method: clinical testing. Allele origin: germline.
Comment: the same text as in the submission from Illumina Laboratory Services, Illumina above.

Illumina Laboratory Services, Illumina
Classification: Uncertain significance for Dilated cardiomyopathy 1G. Last evaluated: 2018-01-12. Review status: criteria provided, single submitter. Criteria: ICSL Variant Classification Criteria 13 December 2019. Collection method: clinical testing. Allele origin: germline.